The following is an entry in ClinVar:

ClinVar aggregate classification (germline): Pathogenic (1 of 4 stars; one submission).

Conditions:
Imerslund-Grasbeck syndrome. Also called: ENTEROCYTE COBALAMIN MALABSORPTION; ENTEROCYTE INTRINSIC FACTOR RECEPTOR, DEFECT OF; Imerslund-Gräsbeck syndrome; PERNICIOUS ANEMIA, JUVENILE, DUE TO SELECTIVE INTESTINAL MALABSORPTION OF VITAMIN B12, WITH PROTEINURIA; Megaloblastic anemia due to inborn errors of metabolism. Identifiers: Orphanet 35858, MedGen C4551825, MONDO:0009853.

gnomAD v4.1: 1 of 1,614,022 alleles (0.000062%); highest among the groups gnomAD compares: Non-Finnish European, 0.000085%; no homozygotes.

Submission:

Labcorp Genetics (formerly Invitae), Labcorp
Classification: Pathogenic for Imerslund-Grasbeck syndrome. Last evaluated: 2022-04-04. Review status: criteria provided, single submitter. Criteria: Invitae Variant Classification Sherloc (09022015). Collection method: clinical testing. Allele origin: germline.
Comment: This variant has not been reported in the literature in individuals affected with CUBN-related conditions. For these reasons, this variant has been classified as Pathogenic. This variant is not present in population databases (gnomAD no frequency). This sequence change creates a premature translational stop signal (p.Gln142*) in the CUBN gene. It is expected to result in an absent or disrupted protein product. Loss-of-function variants in CUBN are known to be pathogenic (PMID: 15024727, 22929189).

Literature cited by the submitters: PubMed 15024727; PubMed 22929189.

NM_001081.4(CUBN):c.424C>T (p.Gln142Ter)

Gene: CUBN (cubilin; minus strand). Cytogenetic location: 10p13.
Variant type: single nucleotide variant.
Coding change: c.424C>T on transcript NM_001081.4 (MANE Select); coding-DNA position 424, C replaced by T.
Protein change: p.Gln142Ter; replaces glutamine 142 with a stop codon.
Molecular consequence: nonsense.
Genome position (GRCh38, 1-based): chr10:17,123,653, G>A on the plus strand (C>T on the coding strand, the complement: CUBN is on the minus strand). VCF-style: chr10-17123653-G-A. GRCh37 (hg19) VCF-style: chr10-17165652-G-A.
Other names: short protein forms Q142*.
Identifiers: ClinVar variation 1444492 (VCV001444492.6), dbSNP rs765941616, ClinGen allele CA376168807.
Genomic context (GRCh38, chr10:17,123,653, plus strand): 5'-ACTGTGGGGGACAGATACAAAAAAAGGAATCATGCAGATTGAGGCAGGTTCCACCATTCT[G>A]GCAAGGATTGCTGCTGCAAACCTTTTTGTCAACAGTCTGAAACAAAAACAGGACAGTCAA-3'